The following is an entry in ClinVar:

NM_000535.7(PMS2):c.479A>G (p.Gln160Arg)

Gene: PMS2 (PMS1 homolog 2, mismatch repair system component; minus strand). Cytogenetic location: 7p22.1.
Variant type: single nucleotide variant.
Coding change: c.479A>G on transcript NM_000535.7 (MANE Select); coding-DNA position 479, A replaced by G.
Protein change: p.Gln160Arg; replaces glutamine 160 with arginine.
Molecular consequence: missense variant. On other transcripts: 5 prime UTR variant (2), non-coding transcript variant (1).
Genome position (GRCh38, 1-based): chr7:6,002,511, T>C on the plus strand (A>G on the coding strand, the complement: PMS2 is on the minus strand). VCF-style: chr7-6002511-T-C. GRCh37 (hg19) VCF-style: chr7-6042142-T-C.
Other names: c.74A>G, p.Gln25Arg (NM_001322003.2, NM_001322004.2, NM_001322005.2 and 3 more transcripts); c.479A>G, p.Gln160Arg (NM_001322006.2, NM_001322014.2); c.161A>G, p.Gln54Arg (NM_001322007.2, NM_001322008.2); c.-406A>G (NM_001322011.2, NM_001322012.2); c.170A>G, p.Gln57Arg (NM_001322015.2); short protein forms Q160R, Q57R, Q54R, Q25R.
Identifiers: ClinVar variation 455722 (VCV000455722.16), dbSNP rs1554303922, ClinGen allele CA366744273.

ClinVar aggregate classification (germline): Uncertain significance. Review status: criteria provided, multiple submitters, no conflicts (2 of 4 stars). 5 submissions from 5 submitters: Uncertain significance (5). Last evaluated 2025-10-14.

Conditions:
Hereditary nonpolyposis colorectal neoplasms. Identifiers: MedGen C0009405, MeSH D003123.
Hereditary cancer-predisposing syndrome. Also called: Hereditary Cancer Syndrome; Hereditary neoplastic syndrome; Neoplastic Syndromes, Hereditary; Tumor predisposition. Identifiers: Orphanet 140162, MedGen C0027672, MeSH D009386, MONDO:0015356.
Lynch syndrome. Identifiers: Orphanet 144, MedGen C4552100, MONDO:0005835. Disease mechanism: loss of function.
Lynch syndrome 4 (LYNCH4). Also called: Colorectal cancer, hereditary nonpolyposis, type 4; Hereditary non-polyposis colorectal cancer, type 4. Identifiers: Orphanet 144, MedGen C1838333, MONDO:0013699, OMIM 614337. Disease mechanism: loss of function.

Allele frequency attached by ClinVar (database versions not stated): TOPMed below 0.00001; gnomAD 0.00001; gnomAD exomes 0.00001.
gnomAD v4.1: 8 of 1,611,720 alleles (0.0005%); highest among the groups gnomAD compares: Admixed American, 0.0017%; no homozygotes.

Submissions (5):

Ambry Genetics
Classification: Uncertain significance for Hereditary cancer-predisposing syndrome. Last evaluated: 2025-10-14. Review status: criteria provided, single submitter. Criteria: Ambry Variant Classification Scheme 2023. Collection method: clinical testing. Allele origin: germline.
Comment: The p.Q160R variant (also known as c.479A>G), located in coding exon 5 of the PMS2 gene, results from an A to G substitution at nucleotide position 479. The glutamine at codon 160 is replaced by arginine, an amino acid with highly similar properties. This amino acid position is highly conserved in available vertebrate species. In addition, the in silico prediction for this alteration is inconclusive. Since supporting evidence is limited at this time, the clinical significance of this alteration remains unclear.

Color Diagnostics, LLC DBA Color Health
Classification: Uncertain significance for Hereditary cancer-predisposing syndrome. Last evaluated: 2024-03-06. Review status: criteria provided, single submitter. Criteria: ACMG Guidelines, 2015. Collection method: clinical testing. Allele origin: germline.
Comment: This missense variant replaces glutamine with arginine at codon 160 of the PMS2 protein. Computational prediction suggests that this variant may not impact protein structure and function (internally defined REVEL score threshold <= 0.5, PMID: 27666373). To our knowledge, functional studies have not been reported for this variant. This variant has not been reported in individuals affected with PMS2-related disorders in the literature. This variant has not been identified in the general population by the Genome Aggregation Database (gnomAD). The available evidence is insufficient to determine the role of this variant in disease conclusively. Therefore, this variant is classified as a Variant of Uncertain Significance.

Labcorp Genetics (formerly Invitae), Labcorp
Classification: Uncertain significance for Hereditary nonpolyposis colorectal neoplasms. Last evaluated: 2023-12-14. Review status: criteria provided, single submitter. Criteria: Invitae Variant Classification Sherloc (09022015). Collection method: clinical testing. Allele origin: germline.
Comment: This sequence change replaces glutamine, which is neutral and polar, with arginine, which is basic and polar, at codon 160 of the PMS2 protein (p.Gln160Arg). This variant is not present in population databases (gnomAD no frequency). This variant has not been reported in the literature in individuals affected with PMS2-related conditions. ClinVar contains an entry for this variant (Variation ID: 455722). Advanced modeling of protein sequence and biophysical properties (such as structural, functional, and spatial information, amino acid conservation, physicochemical variation, residue mobility, and thermodynamic stability) performed at Invitae indicates that this missense variant is expected to disrupt PMS2 protein function with a positive predictive value of 80%. In summary, the available evidence is currently insufficient to determine the role of this variant in disease. Therefore, it has been classified as a Variant of Uncertain Significance.

Baylor Genetics
Classification: Uncertain significance for Lynch syndrome 4. Last evaluated: 2023-09-08. Review status: criteria provided, single submitter. Criteria: ACMG Guidelines, 2015. Collection method: clinical testing. Allele origin: unknown.

All of Us Research Program, National Institutes of Health
Classification: Uncertain significance for Lynch syndrome. Last evaluated: 2023-07-07. Review status: criteria provided, single submitter. Criteria: ACMG Guidelines, 2015. Collection method: clinical testing. Allele origin: germline. Inheritance: Autosomal dominant inheritance. Observed: 2 variant alleles, 2 heterozygotes.
Comment: This missense variant replaces glutamine with arginine at codon 160 of the PMS2 protein. Computational prediction suggests that this variant may not impact protein structure and function (internally defined REVEL score threshold <= 0.5, PMID: 27666373). To our knowledge, functional studies have not been reported for this variant. This variant has not been reported in individuals affected with PMS2-related disorders in the literature. This variant has not been identified in the general population by the Genome Aggregation Database (gnomAD). The available evidence is insufficient to determine the role of this variant in disease conclusively. Therefore, this variant is classified as a Variant of Uncertain Significance.

This study involves interpretation of variants in research participants for the purpose of population health screening. Participant phenotype was not available at the time of variant classification. Additional details can be found in publication PMID: 35346344, PMCID: PMC8962531